The following is an entry in ClinVar:

NM_005050.4(ABCD4):c.1023G>A (p.Thr341=)

Gene: ABCD4 (ATP binding cassette subfamily D member 4; minus strand). Cytogenetic location: 14q24.3.
Variant type: single nucleotide variant.
Coding change: c.1023G>A on transcript NM_005050.4 (MANE Select); coding-DNA position 1023, G replaced by A.
Protein change: p.Thr341=; no amino-acid change (threonine 341 retained).
Molecular consequence: synonymous variant. On other transcripts: non-coding transcript variant (10).
Genome position (GRCh38, 1-based): chr14:74,292,556, C>T on the plus strand (G>A on the coding strand, the complement: ABCD4 is on the minus strand). VCF-style: chr14-74292556-C-T. GRCh37 (hg19) VCF-style: chr14-74759259-C-T.
Other names: c.897G>A, p.Thr299= (NM_001353591.2, NM_001353592.2); c.762G>A, p.Thr254= (NM_001353593.2); c.711G>A, p.Thr237= (NM_001353594.2); c.609G>A, p.Thr203= (NM_001353595.2, NM_001353596.2); c.558G>A, p.Thr186= (NM_001353597.2); c.546G>A, p.Thr182= (NM_001353598.2, NM_001353599.2, NM_001353600.2 and 2 more transcripts); c.234G>A, p.Thr78= (NM_001353602.2, NM_001353603.2, NM_001353604.2 and 6 more transcripts); c.1023G>A, p.Thr341= (NM_020325.3).
Identifiers: ClinVar variation 382060 (VCV000382060.14), dbSNP rs35522023, ClinGen allele CA7266971.

ClinVar aggregate classification (germline): Benign/Likely benign. Review status: criteria provided, multiple submitters, no conflicts (2 of 4 stars). 4 submissions from 4 submitters: Benign (3); Likely benign (1). Last evaluated 2026-01-28.

Conditions:
Methylmalonic acidemia with homocystinuria, type cblJ (MAHCJ). Also called: METHYLMALONIC ACIDURIA AND HOMOCYSTINURIA, cblJ TYPE. Identifiers: Orphanet 369955, MedGen C3553915, MONDO:0013925, OMIM 614857.

Allele frequency attached by ClinVar (database versions not stated): gnomAD exomes 0.00045 and 0.00103; ExAC 0.00117; gnomAD 0.00366 and 0.00378; ESP Exome Variant Server 0.00377; TOPMed 0.00405; 1000 Genomes Project 0.00579; 1000 Genomes Project 30x 0.00609.
gnomAD v4.1: 1,282 of 1,613,836 alleles (0.079%); highest among the groups gnomAD compares: African/African-American, 1.4%; 5 homozygotes.

Submissions (4):

Labcorp Genetics (formerly Invitae), Labcorp
Classification: Benign for Methylmalonic acidemia with homocystinuria, type cblJ. Last evaluated: 2026-01-28. Review status: criteria provided, single submitter. Criteria: Invitae Variant Classification Sherloc (09022015). Collection method: clinical testing. Allele origin: germline.

Blueprint Genetics
Classification: Likely benign. Last evaluated: 2024-11-01. Review status: criteria provided, single submitter. Criteria: ACMG Guidelines, 2015. Collection method: clinical testing. Allele origin: germline.

GeneDx
Classification: Benign. Last evaluated: 2017-11-28. Review status: criteria provided, single submitter. Criteria: GeneDx Variant Classification (06012015). Collection method: clinical testing. Allele origin: germline. Affected: yes.
Comment: This variant is considered likely benign or benign based on one or more of the following criteria: it is a conservative change, it occurs at a poorly conserved position in the protein, it is predicted to be benign by multiple in silico algorithms, and/or has population frequency not consistent with disease.

Breakthrough Genomics
Classification: Benign. Review status: criteria provided, single submitter. Criteria: ACMG Guidelines, 2015. Collection method: not provided. Allele origin: germline. Inheritance: Autosomal recessive inheritance. Affected: yes.